The following is an entry in ClinVar:

NM_031892.3(SH3KBP1):c.162+36464C>G

Gene: SH3KBP1 (SH3 domain containing kinase binding protein 1; minus strand). Cytogenetic location: Xp22.12.
Variant type: single nucleotide variant.
Coding change: c.162+36464C>G on transcript NM_031892.3 (MANE Select); 36464 bases into the intron after coding-DNA position 162, C replaced by G.
Molecular consequence: intron variant. On other transcripts: synonymous variant (1).
Genome position (GRCh38, 1-based): chrX:19,799,661, G>C on the plus strand (C>G on the coding strand, the complement: SH3KBP1 is on the minus strand). VCF-style: chrX-19799661-G-C. GRCh37 (hg19) VCF-style: chrX-19817779-G-C.
Other names: c.24C>G, p.Ala8= (NM_001024666.3); c.162+36464C>G (NM_001353890.2, NM_001353892.2, NM_001353891.2); c.-16+33418C>G (NM_001353894.2, NM_001353893.2, NM_001353895.2); c.24C>G (NM_001024666.2).
Identifiers: ClinVar variation 1285051 (VCV001285051.4), dbSNP rs138422588, ClinGen allele CA10364962.

ClinVar aggregate classification (germline): Benign/Likely benign. Review status: no assertion criteria provided (0 of 4 stars). 3 submissions from 3 submitters: Benign (1); Likely benign (2). Last evaluated 2019-11-18.

Conditions:
SH3KBP1-related disorder. Also called: SH3KBP1-related condition.

Allele frequency attached by ClinVar (database versions not stated): 1000 Genomes Project 30x 0.00062; ESP Exome Variant Server 0.00076; 1000 Genomes Project 0.00079; TOPMed 0.00085; gnomAD 0.00139 and 0.00149; gnomAD exomes 0.00184 and 0.00185; ExAC 0.00211.
gnomAD v4.1: 2,168 of 1,207,900 alleles (0.18%); highest among the groups gnomAD compares: Non-Finnish European, 0.19%; 3 homozygotes.

Submissions (3):

PreventionGenetics, part of Exact Sciences
Classification: Benign for SH3KBP1-related condition. Last evaluated: 2019-11-18. Review status: no assertion criteria provided. Collection method: clinical testing. Allele origin: germline.
Comment: This variant is classified as benign based on ACMG/AMP sequence variant interpretation guidelines (Richards et al. 2015 PMID: 25741868, with internal and published modifications).

Clinical Genetics DNA and cytogenetics Diagnostics Lab, Erasmus MC, Erasmus Medical Center
Classification: Likely benign. Review status: no assertion criteria provided. Collection method: clinical testing. Allele origin: germline. Affected: yes. Study: VKGL Data-share Consensus.

Genome Diagnostics Laboratory, University Medical Center Utrecht
Classification: Likely benign. Review status: no assertion criteria provided. Collection method: clinical testing. Allele origin: germline. Affected: yes. Study: VKGL Data-share Consensus.